The following is an entry in ClinVar:

ClinVar aggregate classification (germline): Uncertain significance (1 of 4 stars; one submission).

Conditions:
Duchenne muscular dystrophy (DMD). Also called: MUSCULAR DYSTROPHY, PSEUDOHYPERTROPHIC PROGRESSIVE, DUCHENNE TYPE; Duchenne Muscular Dystrophy (DMD). Identifiers: Orphanet 98896, MedGen C0013264, MONDO:0010679, OMIM 310200.

Allele frequency attached by ClinVar (database versions not stated): gnomAD exomes below 0.00001.
gnomAD v4.1: 1 of 1,211,358 alleles (0.000083%); highest among the groups gnomAD compares: Admixed American, 0.0022%; no homozygotes.

Submission:

Labcorp Genetics (formerly Invitae), Labcorp
Classification: Uncertain significance for Duchenne muscular dystrophy. Last evaluated: 2022-05-30. Review status: criteria provided, single submitter. Criteria: Invitae Variant Classification Sherloc (09022015). Collection method: clinical testing. Allele origin: germline.
Comment: This sequence change replaces phenylalanine, which is neutral and non-polar, with leucine, which is neutral and non-polar, at codon 906 of the DMD protein (p.Phe906Leu). This variant is not present in population databases (gnomAD no frequency). This variant has not been reported in the literature in individuals affected with DMD-related conditions. Algorithms developed to predict the effect of missense changes on protein structure and function are either unavailable or do not agree on the potential impact of this missense change (SIFT: "Deleterious"; PolyPhen-2: "Possibly Damaging"; Align-GVGD: "Class C0"). In summary, the available evidence is currently insufficient to determine the role of this variant in disease. Therefore, it has been classified as a Variant of Uncertain Significance.

NM_004006.3(DMD):c.2718C>A (p.Phe906Leu)

Gene: DMD (dystrophin; minus strand). Cytogenetic location: Xp21.1.
Variant type: single nucleotide variant.
Coding change: c.2718C>A on transcript NM_004006.3 (MANE Select); coding-DNA position 2718, C replaced by A.
Protein change: p.Phe906Leu; replaces phenylalanine 906 with leucine.
Molecular consequence: missense variant.
Genome position (GRCh38, 1-based): chrX:32,485,004, G>T on the plus strand (C>A on the coding strand, the complement: DMD is on the minus strand). VCF-style: chrX-32485004-G-T. GRCh37 (hg19) VCF-style: chrX-32503121-G-T.
Other names: c.2694C>A, p.Phe898Leu (NM_000109.4); c.2706C>A, p.Phe902Leu (NM_004009.3); c.2349C>A, p.Phe783Leu (NM_004010.3); short protein forms F783L, F902L, F898L, F906L.
Identifiers: ClinVar variation 2115605 (VCV002115605.4), dbSNP rs2524914283, ClinGen allele CA412670814.